The following is an entry in ClinVar:

ClinVar aggregate classification (germline): Pathogenic (1 of 4 stars; one submission).

Submission:

Labcorp Genetics (formerly Invitae), Labcorp
Classification: Pathogenic. Last evaluated: 2023-08-11. Review status: criteria provided, single submitter. Criteria: Invitae Variant Classification Sherloc (09022015). Collection method: clinical testing. Allele origin: germline.
Comment: For these reasons, this variant has been classified as Pathogenic. This variant has not been reported in the literature in individuals affected with TRAPPC9-related conditions. This variant is not present in population databases (gnomAD no frequency). This sequence change creates a premature translational stop signal (p.Gln300Lysfs*35) in the TRAPPC9 gene. It is expected to result in an absent or disrupted protein product. Loss-of-function variants in TRAPPC9 are known to be pathogenic (PMID: 2000476, 20004763, 20004764).

Literature cited by the submitters: PubMed 2000476; PubMed 20004763; PubMed 20004764.

NM_001160372.4(TRAPPC9):c.604del (p.Gln202fs)

Gene: TRAPPC9 (trafficking protein particle complex subunit 9; minus strand). Cytogenetic location: 8q24.3.
Variant type: Deletion.
Coding change: c.604del on transcript NM_001160372.4 (MANE Select); coding-DNA position 604, one base deleted (C; older notation c.604delC).
Protein change: p.Gln202fs; shifts the reading frame from glutamine 202.
Molecular consequence: frameshift variant. On other transcripts: non-coding transcript variant (1).
Genome position (GRCh38, 1-based): chr8:140,439,178, G deleted on the plus strand (C on the coding strand, the reverse complement: TRAPPC9 is on the minus strand); the first of 2 consecutive G bases (chr8:140,439,178-140,439,179); deleting either gives the same sequence. VCF-style (leftmost placement, unchanged base first): chr8-140439177-TG-T. GRCh37 (hg19) VCF-style: chr8-141449276-TG-T.
Other names: c.604del, p.Gln202fs (NM_001321646.2, NM_001374683.1, NM_001374684.1 and 1 more transcripts); c.625del, p.Gln209fs (NM_001374682.1); short protein forms Q209fs, Q202fs.
Identifiers: ClinVar variation 2752127 (VCV002752127.3), dbSNP rs2540470879, ClinGen allele CA2697550175.
Genomic context (GRCh38, chr8:140,439,177, plus strand): 5'-GAGTCCTGCAGCATCCCTGCCTGCAGGCACAGGTCCCCCACGTGCTTCCGCATGCGGCCT[TG>T]GCACCGCTTCTTGTAATGTCTAGAAAATACATGAAAATGTATCTTTATTACTATACAACT-3'